The following is an entry in ClinVar:

ClinVar aggregate classification (germline): Uncertain significance. Review status: criteria provided, multiple submitters, no conflicts (2 of 4 stars). 2 submissions from 2 submitters: Uncertain significance (2). Last evaluated 2025-09-25.

Conditions:
Hereditary cancer-predisposing syndrome. Also called: Neoplastic Syndromes, Hereditary; Hereditary Cancer Syndrome; Tumor predisposition; Hereditary neoplastic syndrome. Identifiers: Orphanet 140162, MedGen C0027672, MeSH D009386, MONDO:0015356.
Lynch syndrome. Identifiers: Orphanet 144, MedGen C4552100, MONDO:0005835. Disease mechanism: loss of function.

Submissions (2):

Ambry Genetics
Classification: Uncertain significance for Hereditary cancer-predisposing syndrome. Last evaluated: 2025-09-25. Review status: criteria provided, single submitter. Criteria: Ambry Variant Classification Scheme 2023. Collection method: clinical testing. Allele origin: germline.
Comment: The p.N960K variant (also known as c.2880C>G), located in coding exon 4 of the MSH6 gene, results from a C to G substitution at nucleotide position 2880. The asparagine at codon 960 is replaced by lysine, an amino acid with similar properties. This amino acid position is conserved. In addition, this alteration is predicted to be tolerated by in silico analysis. Based on the available evidence, the clinical significance of this variant remains unclear.

All of Us Research Program, National Institutes of Health
Classification: Uncertain significance for Lynch syndrome. Last evaluated: 2024-09-23. Review status: criteria provided, single submitter. Criteria: ACMG Guidelines, 2015. Collection method: clinical testing. Allele origin: germline. Inheritance: Autosomal dominant inheritance. Observed: 1 variant allele, 1 heterozygote.
Comment: This study involves interpretation of variants in research participants for the purpose of population health screening. Participant phenotype was not available at the time of variant classification. Additional details can be found in publication PMID: 35346344, PMCID: PMC8962531

NM_000179.3(MSH6):c.2880C>G (p.Asn960Lys)

Gene: MSH6 (mutS homolog 6; plus strand). Cytogenetic location: 2p16.3.
Variant type: single nucleotide variant.
Coding change: c.2880C>G on transcript NM_000179.3 (MANE Select); coding-DNA position 2880, C replaced by G.
Protein change: p.Asn960Lys; replaces asparagine 960 with lysine.
Molecular consequence: missense variant. On other transcripts: non-coding transcript variant (5), intron variant (2).
Genome position (GRCh38, 1-based): chr2:47,800,863, C>G. VCF-style: chr2-47800863-C-G. GRCh37 (hg19) VCF-style: chr2-48028002-C-G.
Other names: c.2490C>G, p.Asn830Lys (NM_001281492.2); c.1974C>G, p.Asn658Lys (NM_001281493.2, NM_001281494.2, NM_001406811.1 and 6 more transcripts); c.2976C>G, p.Asn992Lys (NM_001406795.1, NM_001406802.1); c.2880C>G, p.Asn960Lys (NM_001406796.1, NM_001406798.1, NM_001406800.1 and 2 more transcripts); c.2583C>G, p.Asn861Lys (NM_001406797.1, NM_001406801.1, NM_001406805.1 and 10 more transcripts); c.2355C>G, p.Asn785Lys (NM_001406799.1, NM_001406806.1, NM_001406807.1); c.2802C>G, p.Asn934Lys (NM_001406804.1); c.2886C>G, p.Asn962Lys (NM_001406813.1); and 4 more; short protein forms N275K, N658K, N785K, N830K, N861K, N904K, N934K, N960K.
Identifiers: ClinVar variation 3387067 (VCV003387067.2).
Genomic context (GRCh38, chr2:47,800,863, plus strand): 5'-TCTTGCTGACATAAGAGAAAATGAACAGAGCCTCCTGGAATACCTAGAGAAACAGCGCAA[C>G]AGAATTGGCTGTAGGACCATAGTCTATTGGGGGATTGGTAGGAACCGTTACCAGCTGGAA-3'
Protein context (NP_000170.1, residues 950-970): SLLEYLEKQR[Asn960Lys]RIGCRTIVYW